The following is an entry in ClinVar:

NM_025144.4(ALPK1):c.1444A>G (p.Lys482Glu)

Gene: ALPK1 (alpha kinase 1; plus strand). Cytogenetic location: 4q25.
Variant type: single nucleotide variant.
Coding change: c.1444A>G on transcript NM_025144.4 (MANE Select); coding-DNA position 1444, A replaced by G.
Protein change: p.Lys482Glu; replaces lysine 482 with glutamic acid.
Molecular consequence: missense variant.
Genome position (GRCh38, 1-based): chr4:112,430,991, A>G. VCF-style: chr4-112430991-A-G. GRCh37 (hg19) VCF-style: chr4-113352147-A-G.
Other names: c.1444A>G, p.Lys482Glu (NM_001102406.2); c.1210A>G, p.Lys404Glu (NM_001253884.2); short protein forms K482E, K404E.
Identifiers: ClinVar variation 2883409 (VCV002883409.3), dbSNP rs2476503402, ClinGen allele CA357894977.

ClinVar aggregate classification (germline): Uncertain significance (1 of 4 stars; one submission).

Submission:

Labcorp Genetics (formerly Invitae), Labcorp
Classification: Uncertain significance. Last evaluated: 2023-02-11. Review status: criteria provided, single submitter. Criteria: Invitae Variant Classification Sherloc (09022015). Collection method: clinical testing. Allele origin: germline.
Comment: This sequence change replaces lysine, which is basic and polar, with glutamic acid, which is acidic and polar, at codon 482 of the ALPK1 protein (p.Lys482Glu). This variant is not present in population databases (gnomAD no frequency). This variant has not been reported in the literature in individuals affected with ALPK1-related conditions. Advanced modeling of protein sequence and biophysical properties (such as structural, functional, and spatial information, amino acid conservation, physicochemical variation, residue mobility, and thermodynamic stability) performed at Invitae indicates that this missense variant is not expected to disrupt ALPK1 protein function. In summary, the available evidence is currently insufficient to determine the role of this variant in disease. Therefore, it has been classified as a Variant of Uncertain Significance.